The following is an entry in ClinVar:

ClinVar aggregate classification (germline): Uncertain significance (1 of 4 stars; one submission).

Submission:

Labcorp Genetics (formerly Invitae), Labcorp
Classification: Uncertain significance. Last evaluated: 2024-02-24. Review status: criteria provided, single submitter. Criteria: Invitae Variant Classification Sherloc (09022015). Collection method: clinical testing. Allele origin: germline.
Comment: This sequence change replaces serine, which is neutral and polar, with arginine, which is basic and polar, at codon 670 of the ACO2 protein (p.Ser670Arg). This variant is not present in population databases (gnomAD no frequency). This variant has not been reported in the literature in individuals affected with ACO2-related conditions. ClinVar contains an entry for this variant (Variation ID: 1512387). Advanced modeling of protein sequence and biophysical properties (such as structural, functional, and spatial information, amino acid conservation, physicochemical variation, residue mobility, and thermodynamic stability) performed at Invitae indicates that this missense variant is expected to disrupt ACO2 protein function with a positive predictive value of 80%. In summary, the available evidence is currently insufficient to determine the role of this variant in disease. Therefore, it has been classified as a Variant of Uncertain Significance.

NM_001098.3(ACO2):c.2010C>G (p.Ser670Arg)

Genes: ACO2 (aconitase 2; plus strand), POLR3H (RNA polymerase III subunit H; minus strand). Cytogenetic location: 22q13.2.
Variant type: single nucleotide variant.
Coding change: c.2010C>G on transcript NM_001098.3 (MANE Select); coding-DNA position 2010, C replaced by G.
Protein change: p.Ser670Arg; replaces serine 670 with arginine.
Molecular consequence: missense variant. On other transcripts: 3 prime UTR variant (5).
Genome position (GRCh38, 1-based): chr22:41,527,344, C>G. VCF-style: chr22-41527344-C-G. GRCh37 (hg19) VCF-style: chr22-41923348-C-G.
Other names: c.*1939G>C (NM_001018050.4, NM_001018052.4, NM_001282884.2 and 2 more transcripts); short protein forms S670R.
Identifiers: ClinVar variation 1512387 (VCV001512387.7), dbSNP rs2146149893, ClinGen allele CA411728911.
Genomic context (GRCh38, chr22:41,527,344, plus strand): 5'-ACAGAAACATGGCATCAGGTGGGTGGTGATCGGAGACGAGAACTACGGCGAGGGCTCGAG[C>G]CGGGAGCATGCAGCTCTGGAGCCTCGCCACCTTGGGGGCCGGGCCATCATCACCAAGAGC-3'
Protein context (NP_001089.1, residues 660-680): IGDENYGEGS[Ser670Arg]REHAALEPRH